The following is an entry in ClinVar:

NM_001164508.2(NEB):c.23650-2A>T

Genes: NEB (nebulin; minus strand), RIF1 (replication timing regulatory factor 1; plus strand). Cytogenetic location: 2q23.3.
Variant type: single nucleotide variant.
Coding change: c.23650-2A>T on transcript NM_001164508.2 (MANE Select); the canonical splice acceptor site of the intron before coding-DNA position 23650, A replaced by T.
Molecular consequence: splice acceptor variant.
Genome position (GRCh38, 1-based): chr2:151,505,572, T>A on the plus strand (A>T on the coding strand, the complement: NEB is on the minus strand). VCF-style: chr2-151505572-T-A. GRCh37 (hg19) VCF-style: chr2-152362086-T-A.
Other names: c.18547-2A>T (NM_004543.5); c.23650-2A>T (NM_001164507.2); c.23755-2A>T (NM_001271208.2, NM_001271208.1).
Identifiers: ClinVar variation 1908252 (VCV001908252.7), dbSNP rs113925788, ClinGen allele CA348783503.

ClinVar aggregate classification (germline): Likely pathogenic. Review status: criteria provided, multiple submitters, no conflicts (2 of 4 stars). 2 submissions from 2 submitters: Likely pathogenic (2). Last evaluated 2026-01-14.

Conditions:
Nemaline myopathy 2 (NEM2). Also called: Nemaline myopathy 2, autosomal recessive. Identifiers: MedGen C1850569, MONDO:0009725, OMIM 256030.
Arthrogryposis multiplex congenita 6. Identifiers: MedGen C5543431, MONDO:0030281, OMIM 619334.

Submissions (2):

Labcorp Genetics (formerly Invitae), Labcorp
Classification: Likely pathogenic for Nemaline myopathy 2. Last evaluated: 2026-01-14. Review status: criteria provided, single submitter. Criteria: Invitae Variant Classification Sherloc (09022015). Collection method: clinical testing. Allele origin: germline.
Comment: This sequence change affects an acceptor splice site in intron 165 of the NEB gene. It is expected to disrupt RNA splicing. Variants that disrupt the donor or acceptor splice site typically lead to a loss of protein function (PMID: 16199547), and loss-of-function variants in NEB are known to be pathogenic (PMID: 25205138). This variant is not present in population databases (gnomAD no frequency). This variant has not been reported in the literature in individuals affected with NEB-related conditions. ClinVar contains an entry for this variant (Variation ID: 1908252). Algorithms developed to predict the effect of sequence changes on RNA splicing suggest that this variant may disrupt the consensus splice site. In summary, the currently available evidence indicates that the variant is pathogenic, but additional data are needed to prove that conclusively. Therefore, this variant has been classified as Likely Pathogenic.

Baylor Genetics
Classification: Likely pathogenic for Arthrogryposis multiplex congenita 6. Last evaluated: 2024-02-16. Review status: criteria provided, single submitter. Criteria: ACMG Guidelines, 2015. Collection method: clinical testing. Allele origin: unknown.

Literature cited by the submitters: PubMed 16199547 (cited by Labcorp Genetics (formerly Invitae), Labcorp); PubMed 25205138 (cited by Labcorp Genetics (formerly Invitae), Labcorp).